The following is an entry in ClinVar:

NM_001267550.2(TTN):c.106912T>C (p.Trp35638Arg)

Genes: TTN-AS1 (TTN antisense RNA 1; plus strand), TTN (titin; minus strand). Cytogenetic location: 2q31.2.
Variant type: single nucleotide variant.
Coding change: c.106912T>C on transcript NM_001267550.2 (MANE Select); coding-DNA position 106912, T replaced by C.
Protein change: p.Trp35638Arg; replaces tryptophan 35638 with arginine.
Molecular consequence: missense variant.
Genome position (GRCh38, 1-based): chr2:178,528,839, A>G on the plus strand (T>C on the coding strand, the complement: TTN is on the minus strand). VCF-style: chr2-178528839-A-G. GRCh37 (hg19) VCF-style: chr2-179393566-A-G.
Other names: c.101989T>C, p.Trp33997Arg (NM_001256850.1); c.79717T>C, p.Trp26573Arg (NM_003319.4); c.99208T>C, p.Trp33070Arg (NM_133378.4); c.80092T>C, p.Trp26698Arg (NM_133432.3); c.80293T>C, p.Trp26765Arg (NM_133437.4); short protein forms W26573R, W26698R, W26765R, W33070R, W33997R, W35638R.
Identifiers: ClinVar variation 1059637 (VCV001059637.9), dbSNP rs1408667252, ClinGen allele CA349402671.

ClinVar aggregate classification (germline): Uncertain significance (1 of 4 stars; one submission).

Conditions:
Autosomal recessive limb-girdle muscular dystrophy type 2J (LGMDR10). Also called: MUSCULAR DYSTROPHY, LIMB-GIRDLE, AUTOSOMAL RECESSIVE 10; Limb-girdle muscular dystrophy, type 2J. Identifiers: Orphanet 140922, MedGen C1837342, MONDO:0012127, OMIM 608807.
Dilated cardiomyopathy 1G (CMD1G). Identifiers: Orphanet 154, MedGen C1858763, MONDO:0011400, OMIM 604145.

Allele frequency attached by ClinVar (database versions not stated): gnomAD exomes below 0.00001.
gnomAD v4.1: 1 of 1,613,952 alleles (0.000062%); highest among the groups gnomAD compares: African/African-American, 0.0013%; no homozygotes.

Submission:

Labcorp Genetics (formerly Invitae), Labcorp
Classification: Uncertain significance for Dilated cardiomyopathy 1G; Autosomal recessive limb-girdle muscular dystrophy type 2J. Last evaluated: 2022-07-06. Review status: criteria provided, single submitter. Criteria: Invitae Variant Classification Sherloc (09022015). Collection method: clinical testing. Allele origin: germline.
Comment: ClinVar contains an entry for this variant (Variation ID: 1059637). This missense change has been observed in individual(s) with clinical features of muscular dystrophy (Invitae). This variant is not present in population databases (gnomAD no frequency). This sequence change replaces tryptophan, which is neutral and slightly polar, with arginine, which is basic and polar, at codon 35638 of the TTN protein (p.Trp35638Arg). In summary, the available evidence is currently insufficient to determine the role of this variant in disease. Therefore, it has been classified as a Variant of Uncertain Significance. This variant is located in the M band of TTN (PMID: 25589632). Variants in this region may be relevant for neuromuscular disorders, but have not been definitively shown to cause cardiomyopathy (PMID: 23975875). Experimental studies and prediction algorithms are not available or were not evaluated, and the functional significance of this variant is currently unknown.

Literature cited by the submitters: PubMed 25589632; PubMed 23975875.